The following is an entry in ClinVar:

NM_004369.4(COL6A3):c.3074C>T (p.Ser1025Leu)

Gene: COL6A3 (collagen type VI alpha 3 chain; minus strand). Cytogenetic location: 2q37.3.
Variant type: single nucleotide variant.
Coding change: c.3074C>T on transcript NM_004369.4 (MANE Select); coding-DNA position 3074, C replaced by T.
Protein change: p.Ser1025Leu; replaces serine 1025 with leucine.
Molecular consequence: missense variant.
Genome position (GRCh38, 1-based): chr2:237,375,017, G>A on the plus strand (C>T on the coding strand, the complement: COL6A3 is on the minus strand). VCF-style: chr2-237375017-G-A. GRCh37 (hg19) VCF-style: chr2-238283660-G-A.
Other names: c.1853C>T, p.Ser618Leu (NM_057164.5); c.2456C>T, p.Ser819Leu (NM_057165.5, NM_057167.4); c.1253C>T, p.Ser418Leu (NM_057166.5); short protein forms S618L, S819L, S1025L, S418L.
Identifiers: ClinVar variation 2202119 (VCV002202119.6), dbSNP rs2077799018, ClinGen allele CA351206084.
Genomic context (GRCh38, chr2:237,375,017, plus strand): 5'-GGGAAGCCGCTCCTGACGCCCTCAGAGCCATCAAGCAGAAACACCACGTCCTTTTCACCT[G>A]AAACTGGGAGGAGGACAGCCTGGTAACTCACACAGGACATCAGAGCAGCAATTTCATATC-3'
Protein context (NP_004360.2, residues 1015-1035): SVHNGAPAPV[Ser1025Leu]GEKDVVFLLD

ClinVar aggregate classification (germline): Uncertain significance. Review status: criteria provided, multiple submitters, no conflicts (2 of 4 stars). 2 submissions from 2 submitters: Uncertain significance (2). Last evaluated 2023-06-05.

Conditions:
Inborn genetic diseases. Identifiers: MedGen C0950123, MeSH D030342.
Bethlem myopathy 1A. Also called: Bethlem Muscular Dystrophy; MYOPATHY, BENIGN CONGENITAL, WITH CONTRACTURES; Bethlem myopathy 1. Identifiers: Orphanet 610, MedGen CN029274, MONDO:0024530, OMIM 158810.

Allele frequency attached by ClinVar (database versions not stated): gnomAD exomes below 0.00001; TOPMed below 0.00001.
gnomAD v4.1: 3 of 1,613,522 alleles (0.00019%); highest among the groups gnomAD compares: South Asian, 0.0011%; no homozygotes.

Submissions (2):

Ambry Genetics
Classification: Uncertain significance for Inborn genetic diseases. Last evaluated: 2023-06-05. Review status: criteria provided, single submitter. Criteria: Ambry Variant Classification Scheme 2023. Collection method: clinical testing. Allele origin: germline.

Labcorp Genetics (formerly Invitae), Labcorp
Classification: Uncertain significance for Bethlem myopathy 1A. Last evaluated: 2023-04-09. Review status: criteria provided, single submitter. Criteria: Invitae Variant Classification Sherloc (09022015). Collection method: clinical testing. Allele origin: germline.
Comment: In summary, the available evidence is currently insufficient to determine the role of this variant in disease. Therefore, it has been classified as a Variant of Uncertain Significance. Advanced modeling of protein sequence and biophysical properties (such as structural, functional, and spatial information, amino acid conservation, physicochemical variation, residue mobility, and thermodynamic stability) performed at Invitae indicates that this missense variant is not expected to disrupt COL6A3 protein function. ClinVar contains an entry for this variant (Variation ID: 2202119). This variant has not been reported in the literature in individuals affected with COL6A3-related conditions. This variant is not present in population databases (gnomAD no frequency). This sequence change replaces serine, which is neutral and polar, with leucine, which is neutral and non-polar, at codon 1025 of the COL6A3 protein (p.Ser1025Leu).